The following is an entry in ClinVar:

NM_000211.5(ITGB2):c.1537_1538del (p.Val513fs)

Gene: ITGB2 (integrin subunit beta 2; minus strand). Cytogenetic location: 21q22.3.
Variant type: Microsatellite.
Coding change: c.1537_1538del on transcript NM_000211.5 (MANE Select); coding-DNA positions 1537 to 1538, 2 bases deleted (GT; older notation c.1537_1538delGT).
Protein change: p.Val513fs; shifts the reading frame from valine 513.
Molecular consequence: frameshift variant.
Genome position (GRCh38, 1-based): chr21:44,890,097-44,890,098, AC deleted on the plus strand (GT on the coding strand, the reverse complement: ITGB2 is on the minus strand); deleting any 2 consecutive bases within chr21:44,890,097-44,890,101 gives the same sequence; the c. name uses the placement nearest the transcript's 3' end. VCF-style (leftmost placement, unchanged base first): chr21-44890096-GAC-G. GRCh37 (hg19) VCF-style: chr21-46310011-GAC-G.
Other names: c.1537_1538del, p.Val513fs (NM_001127491.3); c.1330_1331del, p.Val444fs (NM_001303238.2); short protein forms V444fs, V513fs.
Identifiers: ClinVar variation 1453796 (VCV001453796.8), dbSNP rs1230903176, ClinGen allele CA749752922.

ClinVar aggregate classification (germline): Pathogenic (1 of 4 stars; one submission).

Conditions:
Leukocyte adhesion deficiency 1 (LAD1). Also called: LAD 1; Lymphocyte function-associated antigen 1 immunodeficiency; LFA 1 immunodeficiency; LEUKOCYTE ADHESION DEFICIENCY, TYPE I. Identifiers: Orphanet 2968, Orphanet 99842, MedGen C0398738, MONDO:0007293, OMIM 116920.

Submission:

Labcorp Genetics (formerly Invitae), Labcorp
Classification: Pathogenic for Leukocyte adhesion deficiency 1. Last evaluated: 2021-08-02. Review status: criteria provided, single submitter. Criteria: Invitae Variant Classification Sherloc (09022015). Collection method: clinical testing. Allele origin: germline.
Comment: For these reasons, this variant has been classified as Pathogenic. This premature translational stop signal has been observed in individual(s) with leukocyte adhesion deficiency type 1 (PMID: 31374327). This variant is not present in population databases (ExAC no frequency). This sequence change creates a premature translational stop signal (p.Val513Leufs*24) in the ITGB2 gene. It is expected to result in an absent or disrupted protein product. Loss-of-function variants in ITGB2 are known to be pathogenic (PMID: 22134107, 25703682).

Literature cited by the submitters: PubMed 31374327; PubMed 22134107; PubMed 25703682.